The following is an entry in ClinVar:

ClinVar aggregate classification (germline): Uncertain significance (1 of 4 stars; one submission).

Conditions:
Dyskeratosis congenita, autosomal dominant 2. Identifiers: MedGen C3151443, MONDO:0013521, OMIM 613989.
Idiopathic Pulmonary Fibrosis. Also called: Idiopathic fibrosing alveolitis, chronic form; idiopathic fibrosing alveolitis. Identifiers: Orphanet 2032, MedGen C1800706, MeSH D054990, MONDO:0800504.

Submission:

Labcorp Genetics (formerly Invitae), Labcorp
Classification: Uncertain significance for Dyskeratosis congenita, autosomal dominant 2; Idiopathic Pulmonary Fibrosis. Last evaluated: 2021-03-26. Review status: criteria provided, single submitter. Criteria: Invitae Variant Classification Sherloc (09022015). Collection method: clinical testing. Allele origin: germline.
Comment: This sequence change replaces serine with asparagine at codon 191 of the TERT protein (p.Ser191Asn). The serine residue is weakly conserved and there is a small physicochemical difference between serine and asparagine. This variant is not present in population databases (ExAC no frequency). This variant has not been reported in the literature in individuals with TERT-related conditions. Advanced modeling of protein sequence and biophysical properties (such as structural, functional, and spatial information, amino acid conservation, physicochemical variation, residue mobility, and thermodynamic stability) performed at Invitae indicates that this missense variant is not expected to disrupt TERT protein function. In summary, the available evidence is currently insufficient to determine the role of this variant in disease. Therefore, it has been classified as a Variant of Uncertain Significance.

NM_198253.3(TERT):c.572G>A (p.Ser191Asn)

Gene: TERT (telomerase reverse transcriptase; minus strand). Cytogenetic location: 5p15.33.
Variant type: single nucleotide variant.
Coding change: c.572G>A on transcript NM_198253.3 (MANE Select); coding-DNA position 572, G replaced by A.
Protein change: p.Ser191Asn; replaces serine 191 with asparagine.
Molecular consequence: missense variant. On other transcripts: non-coding transcript variant (2).
Genome position (GRCh38, 1-based): chr5:1,294,314, C>T on the plus strand (G>A on the coding strand, the complement: TERT is on the minus strand). VCF-style: chr5-1294314-C-T. GRCh37 (hg19) VCF-style: chr5-1294429-C-T.
Other names: c.572G>A, p.Ser191Asn (NM_001193376.3); short protein forms S191N.
Identifiers: ClinVar variation 1520234 (VCV001520234.8), dbSNP rs11952056, ClinGen allele CA359057410.